The following is an entry in ClinVar:

NM_000059.4(BRCA2):c.8680C>G (p.Gln2894Glu)

Gene: BRCA2 (BRCA2 DNA repair associated; plus strand). Cytogenetic location: 13q13.1.
Variant type: single nucleotide variant.
Coding change: c.8680C>G on transcript NM_000059.4 (MANE Select); coding-DNA position 8680, C replaced by G.
Protein change: p.Gln2894Glu; replaces glutamine 2894 with glutamic acid.
Molecular consequence: missense variant.
Genome position (GRCh38, 1-based): chr13:32,376,717, C>G. VCF-style: chr13-32376717-C-G. GRCh37 (hg19) VCF-style: chr13-32950854-C-G.
Other names: c.8584C>G, p.Gln2862Glu (NM_001406719.1); c.8680C>G, p.Gln2894Glu (NM_001406720.1); c.3748C>G, p.Gln1250Glu (NM_001406721.1); c.2263C>G, p.Gln755Glu (NM_001406722.1); short protein forms Q1250E, Q2862E, Q2894E, Q755E.
Identifiers: ClinVar variation 1764287 (VCV001764287.4), dbSNP rs397508002, ClinGen allele CA387754766.
Genomic context (GRCh38, chr13:32,376,717, plus strand): 5'-TTTGTTTTCTTAGAAAACACAACAAAACCATATTTACCATCACGTGCACTAACAAGACAG[C>G]AAGTTCGTGCTTTGCAAGATGGTGCAGAGCTTTATGAAGCAGTGAAGAATGCAGCAGACC-3'
Protein context (NP_000050.3, residues 2884-2904): YLPSRALTRQ[Gln2894Glu]VRALQDGAEL

ClinVar aggregate classification (germline): Conflicting classifications of pathogenicity. Review status: criteria provided, conflicting classifications (1 of 4 stars). 2 submissions from 2 submitters: Uncertain significance (1); Benign (1). Last evaluated 2025-05-23.

Conditions:
Hereditary cancer-predisposing syndrome. Also called: Neoplastic Syndromes, Hereditary; Tumor predisposition; Hereditary neoplastic syndrome; Hereditary Cancer Syndrome. Identifiers: Orphanet 140162, MedGen C0027672, MeSH D009386, MONDO:0015356.
Breast-ovarian cancer, familial, susceptibility to, 2 (BROVCA2). Also called: BRCA2 Hereditary Breast and Ovarian Cancer. Identifiers: Orphanet 145, MedGen C2675520, MONDO:0012933, OMIM 612555. Disease mechanism: loss of function.

Submissions (2):

Ambry Genetics
Classification: Benign for Hereditary cancer-predisposing syndrome. Last evaluated: 2025-05-23. Review status: criteria provided, single submitter. Criteria: Ambry Variant Classification Scheme 2023. Collection method: clinical testing. Allele origin: germline.

All of Us Research Program, National Institutes of Health
Classification: Uncertain significance for Breast-ovarian cancer, familial, susceptibility to, 2. Last evaluated: 2023-05-16. Review status: criteria provided, single submitter. Criteria: ACMG Guidelines, 2015. Collection method: clinical testing. Allele origin: germline. Inheritance: Autosomal dominant inheritance. Observed: 1 variant allele, 1 heterozygote.
Comment: This missense variant replaces glutamine with glutamic acid at codon 2894 of the BRCA2 protein. Computational prediction suggests that this variant may not impact protein structure and function (internally defined REVEL score threshold <= 0.5, PMID: 27666373). To our knowledge, functional studies have not been reported for this variant. This variant has been reported in an individual with a personal and/or family history of breast or ovarian cancer (PMID: 31851867). This variant has not been identified in the general population by the Genome Aggregation Database (gnomAD). The available evidence is insufficient to determine the role of this variant in disease conclusively. Therefore, this variant is classified as a Variant of Uncertain Significance.

This study involves interpretation of variants in research participants for the purpose of population health screening. Participant phenotype was not available at the time of variant classification. Additional details can be found in publication PMID: 35346344, PMCID: PMC8962531

Literature cited by the submitters: PubMed 31851867 (cited by Ambry Genetics and All of Us Research Program, National Institutes of Health).